The following is an entry in ClinVar:

ClinVar aggregate classification (germline): Uncertain significance (1 of 4 stars; one submission).

Submission:

Labcorp Genetics (formerly Invitae), Labcorp
Classification: Uncertain significance. Last evaluated: 2025-02-07. Review status: criteria provided, single submitter. Criteria: Invitae Variant Classification Sherloc (09022015). Collection method: clinical testing. Allele origin: germline.
Comment: This sequence change replaces tyrosine, which is neutral and polar, with aspartic acid, which is acidic and polar, at codon 1481 of the CLTC protein (p.Tyr1481Asp). This variant is not present in population databases (gnomAD no frequency). This variant has not been reported in the literature in individuals affected with CLTC-related conditions. Invitae Evidence Modeling of protein sequence and biophysical properties (such as structural, functional, and spatial information, amino acid conservation, physicochemical variation, residue mobility, and thermodynamic stability) indicates that this missense variant is not expected to disrupt CLTC protein function with a negative predictive value of 80%. In summary, the available evidence is currently insufficient to determine the role of this variant in disease. Therefore, it has been classified as a Variant of Uncertain Significance.

NM_004859.4(CLTC):c.4429T>G (p.Tyr1477Asp)

Genes: CLTC (clathrin heavy chain; plus strand), LOC126862609 (CDK7 strongly-dependent group 2 enhancer GRCh37_chr17:57760547-57761746; plus strand). Cytogenetic location: 17q23.1.
Variant type: single nucleotide variant.
Coding change: c.4429T>G on transcript NM_004859.4 (MANE Select); coding-DNA position 4429, T replaced by G.
Protein change: p.Tyr1477Asp; replaces tyrosine 1477 with aspartic acid.
Molecular consequence: missense variant.
Genome position (GRCh38, 1-based): chr17:59,683,980, T>G. VCF-style: chr17-59683980-T-G. GRCh37 (hg19) VCF-style: chr17-57761341-T-G.
Other names: c.4441T>G, p.Tyr1481Asp (NM_001288653.2); short protein forms Y1477D, Y1481D.
Identifiers: ClinVar variation 4739443 (VCV004739443.1).
Genomic context (GRCh38, chr17:59,683,980, plus strand): 5'-AACCATAACAACAAATCTGTGAATGAATCATTGAACAATCTTTTTATTACAGAAGAAGAT[T>G]ATCAGGTAAAACCTTTTGATTCTTGCACATAATCTCAAGACTCATAAAGTTATGTTTTCC-3'
Protein context (NP_004850.1, residues 1467-1487): LNNLFITEED[Tyr1477Asp]QALRTSIDAY